The following is an entry in ClinVar:

ClinVar aggregate classification (germline): Benign. Review status: criteria provided, multiple submitters, no conflicts (2 of 4 stars). 3 submissions from 3 submitters: Benign (3). Last evaluated 2020-01-28.

Conditions:
Pontoneocerebellar hypoplasia. Also called: Pontocerebellar hypoplasia; Non-syndromic pontocerebellar hypoplasia. Identifiers: Orphanet 98523, MedGen C1261175, MONDO:0020135.

Allele frequency attached by ClinVar (database versions not stated): 1000 Genomes Project 0.45447; 1000 Genomes Project 30x 0.46690; gnomAD exomes 0.51429; gnomAD 0.54727 and 0.56522; TOPMed 0.55300.

Submissions (3):

GeneDx
Classification: Benign. Last evaluated: 2020-01-28. Review status: criteria provided, single submitter. Criteria: GeneDx Variant Classification Process June 2021. Collection method: clinical testing. Allele origin: germline. Affected: yes.

Illumina Laboratory Services, Illumina
Classification: Benign for Pontoneocerebellar hypoplasia. Last evaluated: 2018-01-12. Review status: criteria provided, single submitter. Criteria: ICSL Variant Classification Criteria 13 December 2019. Collection method: clinical testing. Allele origin: germline.
Comment: This variant was observed in the ICSL laboratory as part of a predisposition screen in an ostensibly healthy population. It had not been previously curated by ICSL or reported in the Human Gene Mutation Database (HGMD: prior to June 1st, 2018), and was therefore a candidate for classification through an automated scoring system. Utilizing variant allele frequency, disease prevalence and penetrance estimates, and inheritance mode, an automated score was calculated to assess if this variant is too frequent to cause the disease. Based on the score and internal cut-off values, a variant classified as benign is not then subjected to further curation. The score for this variant resulted in a classification of benign for this disease.

Breakthrough Genomics
Classification: Benign. Review status: criteria provided, single submitter. Criteria: ACMG Guidelines, 2015. Collection method: not provided. Allele origin: germline. Inheritance: Autosomal recessive inheritance. Affected: yes.

NM_025265.4(TSEN2):c.-209G>T

Genes: TSEN2 (tRNA splicing endonuclease subunit 2; plus strand), LOC129936171 (ATAC-STARR-seq lymphoblastoid active region 19441; plus strand). Cytogenetic location: 3p25.2.
Variant type: single nucleotide variant.
Coding change: c.-209G>T on transcript NM_025265.4 (MANE Select); 209 bases upstream of the start codon, G replaced by T.
Molecular consequence: 5 prime UTR variant. On other transcripts: intron variant (5).
Genome position (GRCh38, 1-based): chr3:12,484,689, G>T. VCF-style: chr3-12484689-G-T. GRCh37 (hg19) VCF-style: chr3-12526188-G-T.
Other names: c.-209G>T (NM_001321279.2); c.-18+172G>T (NM_001321278.2, NM_001321277.2, NM_001145393.3 and 1 more transcripts); c.-18+61G>T (NM_001145392.2).
Identifiers: ClinVar variation 343059 (VCV000343059.9), dbSNP rs709161, ClinGen allele CA10617174.